The following is an entry in ClinVar:

ClinVar aggregate classification (germline): Pathogenic (1 of 4 stars; one submission).

Allele frequency attached by ClinVar (database versions not stated): gnomAD exomes below 0.00001.
gnomAD v4.1: 1 of 1,614,052 alleles (0.000062%); highest among the groups gnomAD compares: Non-Finnish European, 0.000085%; no homozygotes.

Submission:

Labcorp Genetics (formerly Invitae), Labcorp
Classification: Pathogenic. Last evaluated: 2023-06-16. Review status: criteria provided, single submitter. Criteria: Invitae Variant Classification Sherloc (09022015). Collection method: clinical testing. Allele origin: germline.
Comment: This sequence change creates a premature translational stop signal (p.Gln185*) in the RXYLT1 gene. It is expected to result in an absent or disrupted protein product. Loss-of-function variants in RXYLT1 are known to be pathogenic (PMID: 23217329, 23519211, 31742715). This variant is not present in population databases (gnomAD no frequency). This variant has not been reported in the literature in individuals affected with RXYLT1-related conditions. For these reasons, this variant has been classified as Pathogenic.

Literature cited by the submitters: PubMed 23217329; PubMed 23519211; PubMed 31742715.

NM_014254.3(RXYLT1):c.553C>T (p.Gln185Ter)

Gene: RXYLT1 (ribitol xylosyltransferase 1; plus strand). Cytogenetic location: 12q14.2.
Variant type: single nucleotide variant.
Coding change: c.553C>T on transcript NM_014254.3 (MANE Select); coding-DNA position 553, C replaced by T.
Protein change: p.Gln185Ter; replaces glutamine 185 with a stop codon.
Molecular consequence: nonsense. On other transcripts: 5 prime UTR variant (1).
Genome position (GRCh38, 1-based): chr12:63,802,215, C>T. VCF-style: chr12-63802215-C-T. GRCh37 (hg19) VCF-style: chr12-64195995-C-T.
Other names: c.-228C>T (NM_001278237.2); short protein forms Q185*.
Identifiers: ClinVar variation 2833922 (VCV002833922.3), dbSNP rs1266389046, ClinGen allele CA385657784.
Genomic context (GRCh38, chr12:63,802,215, plus strand): 5'-ATTTTAAATGGAAGAGAAAAAGCAAAGATCTTTTATGCCACCCAGTGGTTACTTTATGCA[C>T]AAAATTTAGTGCAAATTCAAAAACTCCAGCATCTTGCTGTTGTTTTGCTCGGAAATGAAC-3'